The following is an entry in ClinVar:

ClinVar aggregate classification (germline): Uncertain significance (1 of 4 stars; one submission).

Submission:

Labcorp Genetics (formerly Invitae), Labcorp
Classification: Uncertain significance. Last evaluated: 2024-02-17. Review status: criteria provided, single submitter. Criteria: Invitae Variant Classification Sherloc (09022015). Collection method: clinical testing. Allele origin: germline.
Comment: This variant, c.72_83del, results in the deletion of 4 amino acid(s) of the ERCC3 protein (p.Asp25_Asp28del), but otherwise preserves the integrity of the reading frame. This variant is present in population databases (rs752887149, gnomAD 0.003%). This variant has not been reported in the literature in individuals affected with ERCC3-related conditions. ClinVar contains an entry for this variant (Variation ID: 2013804). Experimental studies and prediction algorithms are not available or were not evaluated, and the functional significance of this variant is currently unknown. In summary, the available evidence is currently insufficient to determine the role of this variant in disease. Therefore, it has been classified as a Variant of Uncertain Significance.

NM_000122.2(ERCC3):c.72_83del (p.21DEED[1])

Gene: ERCC3 (ERCC excision repair 3, TFIIH core complex helicase subunit; minus strand). Cytogenetic location: 2q14.3.
Variant type: Deletion.
Coding change: c.72_83del on transcript NM_000122.2 (MANE Select); coding-DNA positions 72 to 83, 12 bases deleted (TGATGAAGAGGA).
Protein change: p.21DEED[1].
Molecular consequence: inframe deletion. On other transcripts: 5 prime UTR variant (2).
Genome position (GRCh38, 1-based): chr2:127,293,664-127,293,675, TCCTCTTCATCA deleted on the plus strand (TGATGAAGAGGA on the coding strand, the reverse complement: ERCC3 is on the minus strand); deleting any 12 consecutive bases within chr2:127,293,664-127,293,686 gives the same sequence; the c. name uses the placement nearest the transcript's 3' end. VCF-style (leftmost placement, unchanged base first): chr2-127293663-GTCCTCTTCATCA-G. GRCh37 (hg19) VCF-style: chr2-128051239-GTCCTCTTCATCA-G.
Other names: c.-121_-110del (NM_001303416.2, NM_001303418.2).
Identifiers: ClinVar variation 2013804 (VCV002013804.4), dbSNP rs752887149, ClinGen allele CA1858626.
Genomic context (GRCh38, chr2:127,293,663, plus strand): 5'-CTCATCCACCTGCTTCCCCGCCGCCGAGGGAACCGCTTCCTGAGGGTCGTTCCCCGGGGC[GTCCTCTTCATCA>G]TCCTCTTCATCCTCATAGTGCCGCTTCCTGGATTTCTTCTTGTCTGCAAGATACCAACAC-3'